The following is an entry in ClinVar:

ClinVar aggregate classification (germline): Uncertain significance (1 of 4 stars; one submission).

Conditions:
Luscan-Lumish syndrome. Identifiers: Orphanet 597738, MedGen C4085873, MONDO:0014791, OMIM 616831.

gnomAD v4.1: 4 of 1,614,062 alleles (0.00025%); highest among the groups gnomAD compares: African/African-American, 0.0053%; no homozygotes.

Submission:

Labcorp Genetics (formerly Invitae), Labcorp
Classification: Uncertain significance for Luscan-Lumish syndrome. Last evaluated: 2024-11-27. Review status: criteria provided, single submitter. Criteria: Invitae Variant Classification Sherloc (09022015). Collection method: clinical testing. Allele origin: germline.
Comment: This sequence change replaces threonine, which is neutral and polar, with serine, which is neutral and polar, at codon 1296 of the SETD2 protein (p.Thr1296Ser). This variant is present in population databases (rs148795337, gnomAD 0.01%). This variant has not been reported in the literature in individuals affected with SETD2-related conditions. Invitae Evidence Modeling of protein sequence and biophysical properties (such as structural, functional, and spatial information, amino acid conservation, physicochemical variation, residue mobility, and thermodynamic stability) indicates that this missense variant is not expected to disrupt SETD2 protein function with a negative predictive value of 80%. In summary, the available evidence is currently insufficient to determine the role of this variant in disease. Therefore, it has been classified as a Variant of Uncertain Significance.

NM_014159.7(SETD2):c.3886A>T (p.Thr1296Ser)

Gene: SETD2 (SET domain containing 2, histone lysine methyltransferase; minus strand). Cytogenetic location: 3p21.31.
Variant type: single nucleotide variant.
Coding change: c.3886A>T on transcript NM_014159.7 (MANE Select); coding-DNA position 3886, A replaced by T.
Protein change: p.Thr1296Ser; replaces threonine 1296 with serine.
Molecular consequence: missense variant. On other transcripts: non-coding transcript variant (1).
Genome position (GRCh38, 1-based): chr3:47,120,750, T>A on the plus strand (A>T on the coding strand, the complement: SETD2 is on the minus strand). VCF-style: chr3-47120750-T-A. GRCh37 (hg19) VCF-style: chr3-47162240-T-A.
Other names: c.3754A>T, p.Thr1252Ser (NM_001349370.3); short protein forms T1296S, T1252S.
Identifiers: ClinVar variation 3715123 (VCV003715123.2).